The following is an entry in ClinVar:

ClinVar aggregate classification (germline): Uncertain significance. Review status: criteria provided, multiple submitters, no conflicts (2 of 4 stars). 3 submissions from 3 submitters: Uncertain significance (3). Last evaluated 2025-09-11.

Conditions:
Hereditary cancer-predisposing syndrome. Also called: Neoplastic Syndromes, Hereditary; Hereditary neoplastic syndrome; Tumor predisposition; Hereditary Cancer Syndrome. Identifiers: Orphanet 140162, MedGen C0027672, MeSH D009386, MONDO:0015356.
Ataxia-telangiectasia syndrome (AT). Also called: Ataxia-telangiectasia, complementation group D; AT, COMPLEMENTATION GROUP C; Ataxia telangiectasia (A-T); Cerebello-oculocutaneous telangiectasia; Immunodeficiency with ataxia telangiectasia; Ataxia-telangiectasia. Identifiers: Orphanet 100, MedGen C0004135, MONDO:0008840, OMIM 208900.

Submissions (3):

Color Diagnostics, LLC DBA Color Health
Classification: Uncertain significance for Hereditary cancer-predisposing syndrome. Last evaluated: 2025-09-11. Review status: criteria provided, single submitter. Criteria: ACMG Guidelines, 2015. Collection method: clinical testing. Allele origin: germline.
Comment: This missense variant replaces histidine with glutamine at codon 674 of the ATM protein. Computational prediction suggests that this variant may not impact protein structure and function. To our knowledge, functional studies have not been reported for this variant. This variant has not been reported in individuals affected with ATM-related disorders in the literature. This variant has not been identified in the general population by the Genome Aggregation Database (gnomAD). The available evidence is insufficient to determine the role of this variant in disease conclusively. Therefore, this variant is classified as a Variant of Uncertain Significance.

Labcorp Genetics (formerly Invitae), Labcorp
Classification: Uncertain significance for Ataxia-telangiectasia syndrome. Last evaluated: 2025-08-05. Review status: criteria provided, single submitter. Criteria: Invitae Variant Classification Sherloc (09022015). Collection method: clinical testing. Allele origin: germline.
Comment: This sequence change replaces histidine, which is basic and polar, with glutamine, which is neutral and polar, at codon 674 of the ATM protein (p.His674Gln). This variant is not present in population databases (gnomAD no frequency). This variant has not been reported in the literature in individuals affected with ATM-related conditions. ClinVar contains an entry for this variant (Variation ID: 846132). Invitae Evidence Modeling of protein sequence and biophysical properties (such as structural, functional, and spatial information, amino acid conservation, physicochemical variation, residue mobility, and thermodynamic stability) indicates that this missense variant is not expected to disrupt ATM protein function with a negative predictive value of 95%. In summary, the available evidence is currently insufficient to determine the role of this variant in disease. Therefore, it has been classified as a Variant of Uncertain Significance.

Ambry Genetics
Classification: Uncertain significance for Hereditary cancer-predisposing syndrome. Last evaluated: 2019-09-20. Review status: criteria provided, single submitter. Criteria: Ambry Variant Classification Scheme 2023. Collection method: clinical testing. Allele origin: germline.
Comment: The p.H674Q variant (also known as c.2022C>A), located in coding exon 12 of the ATM gene, results from a C to A substitution at nucleotide position 2022. The histidine at codon 674 is replaced by glutamine, an amino acid with highly similar properties. This amino acid position is not well conserved in available vertebrate species. In addition, this alteration is predicted to be tolerated by in silico analysis. Since supporting evidence is limited at this time, the clinical significance of this alteration remains unclear.

NM_000051.4(ATM):c.2022C>A (p.His674Gln)

Gene: ATM (ATM serine/threonine kinase; plus strand). Cytogenetic location: 11q22.3.
Variant type: single nucleotide variant.
Coding change: c.2022C>A on transcript NM_000051.4 (MANE Select); coding-DNA position 2022, C replaced by A.
Protein change: p.His674Gln; replaces histidine 674 with glutamine.
Molecular consequence: missense variant.
Genome position (GRCh38, 1-based): chr11:108,253,937, C>A. VCF-style: chr11-108253937-C-A. GRCh37 (hg19) VCF-style: chr11-108124664-C-A.
Other names: c.2022C>A, p.His674Gln (NM_001351834.2); short protein forms H674Q.
Identifiers: ClinVar variation 846132 (VCV000846132.12), dbSNP rs2080306836, ClinGen allele CA382537352.